The following is an entry in ClinVar:

ClinVar aggregate classification (germline): Likely pathogenic (1 of 4 stars; one submission).

Conditions:
Alport syndrome. Also called: Hemorrhagic familial nephritis; Hemorrhagic hereditary nephritis; Congenital hereditary hematuria. Identifiers: Orphanet 63, MedGen C1567741, MONDO:0018965.

Submission:

Natera, Inc.
Classification: Likely pathogenic for Alport syndrome. Last evaluated: 2025-08-29. Review status: criteria provided, single submitter. Criteria: Natera Variant Classification Schema (03/2026). Collection method: clinical testing. Allele origin: germline.
Comment: The c.3080G>C variant in COL4A3 is a missense variant predicted to cause substitution of glycine to alanine at amino acid 1027. This variant is rare in the general population with a frequency below the threshold expected for the associated phenotype(s). This variant is located in a functionally critical region of the protein. Computational prediction algorithms indicate this variant is likely to affect gene or protein function. Given the available evidence, this variant is classified as Likely Pathogenic.

NM_000091.5(COL4A3):c.3080G>C (p.Gly1027Ala)

Genes: MFF-DT (MFF divergent transcript; minus strand), COL4A3 (collagen type IV alpha 3 chain; plus strand). Cytogenetic location: 2q36.3.
Variant type: single nucleotide variant.
Coding change: c.3080G>C on transcript NM_000091.5 (MANE Select); coding-DNA position 3080, G replaced by C.
Protein change: p.Gly1027Ala; replaces glycine 1027 with alanine.
Molecular consequence: missense variant.
Genome position (GRCh38, 1-based): chr2:227,290,756, G>C. VCF-style: chr2-227290756-G-C. GRCh37 (hg19) VCF-style: chr2-228155472-G-C.
Other names: short protein forms G1027A.
Identifiers: ClinVar variation 4817237 (VCV004817237.1).